The following is an entry in ClinVar:

NM_006031.6(PCNT):c.418C>T (p.Pro140Ser)

Gene: PCNT (pericentrin; plus strand). Cytogenetic location: 21q22.3.
Variant type: single nucleotide variant.
Coding change: c.418C>T on transcript NM_006031.6 (MANE Select); coding-DNA position 418, C replaced by T.
Protein change: p.Pro140Ser; replaces proline 140 with serine.
Molecular consequence: missense variant.
Genome position (GRCh38, 1-based): chr21:46,334,547, C>T. VCF-style: chr21-46334547-C-T. GRCh37 (hg19) VCF-style: chr21-47754461-C-T.
Other names: c.64C>T, p.Pro22Ser (NM_001315529.2); short protein forms P140S, P22S.
Identifiers: ClinVar variation 287864 (VCV000287864.30), dbSNP rs774241611, ClinGen allele CA10078250.

ClinVar aggregate classification (germline): Uncertain significance. Review status: criteria provided, multiple submitters, no conflicts (2 of 4 stars). 5 submissions from 5 submitters: Uncertain significance (4). 1 of the submissions does not count toward it. Last evaluated 2023-11-01.

Conditions:
PCNT-related disorder. Also called: PCNT-related condition.

Allele frequency attached by ClinVar (database versions not stated): gnomAD 0.00006 and 0.00007; gnomAD exomes 0.00006; ExAC 0.00007; TOPMed 0.00007.
gnomAD v4.1: 102 of 1,599,340 alleles (0.0064%); highest among the groups gnomAD compares: Non-Finnish European, 0.0084%; no homozygotes.

Submissions (5):

CeGaT Center for Human Genetics Tuebingen
Classification: Uncertain significance. Last evaluated: 2023-11-01. Review status: criteria provided, single submitter. Criteria: CeGaT Center For Human Genetics Tuebingen Variant Classification Criteria Version 2. Collection method: clinical testing. Allele origin: germline. Affected: yes. Observed: 1 variant allele.
Comment: PCNT: PM2:Supporting, BP4

Women's Health and Genetics/Laboratory Corporation of America, LabCorp
Classification: Uncertain significance. Last evaluated: 2022-07-28. Review status: criteria provided, single submitter. Criteria: LabCorp Variant Classification Summary - May 2015. Collection method: clinical testing. Allele origin: germline.
Comment: Variant summary: PCNT c.418C>T (p.Pro140Ser) results in a non-conservative amino acid change in the encoded protein sequence. Three of four in-silico tools predict a benign effect of the variant on protein function. The variant allele was found at a frequency of 6e-05 in 251476 control chromosomes (gnomAD). To our knowledge, no occurrence of c.418C>T in individuals affected with Microcephalic Osteodysplastic Primordial Dwarfism Type II and no experimental evidence demonstrating its impact on protein function have been reported. Two ClinVar submitters (evaluation after 2014) cite the variant as uncertain significance. Based on the evidence outlined above, the variant was classified as uncertain significance.

Eurofins Ntd Llc (ga)
Classification: Uncertain significance. Last evaluated: 2016-05-02. Review status: criteria provided, single submitter. Criteria: EGL Classification Definitions 2015. Collection method: clinical testing. Allele origin: germline. Observed: 1 variant allele, 1 heterozygote.

GeneDx
Classification: Uncertain significance. Last evaluated: 2015-08-28. Review status: criteria provided, single submitter. Criteria: GeneDx Variant Classification (06012015). Collection method: clinical testing. Allele origin: germline. Affected: yes.
Comment: The P140S variant has not been published as a pathogenic variant, nor has it been reported as a benign polymorphism to our knowledge. It was not observed in approximately 6,500 individuals of European and African American ancestry in the NHLBI Exome Sequencing Project, indicating it is not a common benign variant in these populations. The P140S variant is a non-conservative amino acid substitution, which is likely to impact secondary protein structure as these residues differ in polarity, charge, size and/or other properties. This substitution occurs at a position that is conserved in mammals. However. in silico analysis predicts this variant likely does not alter the protein structure/function, and missense variants in nearby residues have not been reported in the Human Gene Mutation Database in association with microcephaly (Stenson et al., 2014). Therefore, based on the currently available information, it is unclear whether this variant is a pathogenic variant or a rare benign variant.

PreventionGenetics, part of Exact Sciences
Classification: Uncertain significance for PCNT-related condition. Last evaluated: 2024-01-29. Review status: no assertion criteria provided. Collection method: clinical testing. Allele origin: germline. Not counted in ClinVar's aggregate classification.
Comment: The PCNT c.418C>T variant is predicted to result in the amino acid substitution p.Pro140Ser. To our knowledge, this variant has not been reported in the literature. This variant is reported in 0.013% of alleles in individuals of European (Non-Finnish) descent in gnomAD. At this time, the clinical significance of this variant is uncertain due to the absence of conclusive functional and genetic evidence.